The following is an entry in ClinVar:

ClinVar aggregate classification (germline): Uncertain significance (1 of 4 stars; one submission).

Conditions:
Cardiovascular phenotype. Identifiers: MedGen CN230736.

Submission:

Ambry Genetics
Classification: Uncertain significance for Cardiovascular phenotype. Last evaluated: 2025-08-18. Review status: criteria provided, single submitter. Criteria: Ambry Variant Classification Scheme 2023. Collection method: clinical testing. Allele origin: germline.
Comment: The c.4166_4177del12 variant (also known as p.E1389_T1392del) is located in coding exon 6 of the ALPK3 gene. This variant results from an in-frame AGAGCCCCACGG deletion at nucleotide positions 4166 to 4177. This results in the in-frame deletion of four amino acids at codons 1389 through 1392. This amino acid region is poorly conserved in available vertebrate species. In addition, this variant is predicted to be deleterious by in silico analysis (Choi Y et al. PLoS ONE. 2012; 7(10):e46688). Based on the available evidence, the clinical significance of this variant remains unclear.

NM_020778.5(ALPK3):c.3560_3571del (p.Glu1187_Thr1190del)

Gene: ALPK3 (alpha kinase 3; plus strand). Cytogenetic location: 15q25.3.
Variant type: Deletion.
Coding change: c.3560_3571del on transcript NM_020778.5 (MANE Select); coding-DNA positions 3560 to 3571, 12 bases deleted (AGAGCCCCACGG).
Protein change: p.Glu1187_Thr1190del.
Genome position (GRCh38, 1-based): chr15:84,858,298-84,858,309, AGAGCCCCACGG deleted; deleting any 12 consecutive bases within chr15:84,858,296-84,858,309 gives the same sequence; the c. name uses the placement nearest the transcript's 3' end. VCF-style (leftmost placement, unchanged base first): chr15-84858295-GGGAGAGCCCCAC-G. GRCh37 (hg19) VCF-style: chr15-85401526-GGGAGAGCCCCAC-G.
Identifiers: ClinVar variation 4089053 (VCV004089053.1).